The following is an entry in ClinVar:

ClinVar aggregate classification (germline): Uncertain significance (0 of 4 stars; one submission).

Conditions:
Kidney disorder. Also called: Nephropathy; Kidney disease; Kidney Diseases; renal disorder; renal disease. Identifiers: MedGen C0022658, MONDO:0005240, HP:0000112.

gnomAD v4.1: 7 of 152,222 alleles (0.0046%); highest among the groups gnomAD compares: Non-Finnish European, 0.01%; no homozygotes.

Submission:

Joint Genome Diagnostic Labs from Nijmegen and Maastricht, Radboudumc and MUMC+
Classification: Uncertain significance for renal disorder. Review status: no assertion criteria provided. Collection method: clinical testing. Allele origin: germline. Affected: yes.

NM_016341.4(PLCE1):c.1206+47408T>C

Gene: PLCE1 (phospholipase C epsilon 1; plus strand). Cytogenetic location: 10q23.33.
Variant type: single nucleotide variant.
Coding change: c.1206+47408T>C on transcript NM_016341.4 (MANE Select); 47408 bases into the intron after coding-DNA position 1206, T replaced by C.
Molecular consequence: intron variant.
Genome position (GRCh38, 1-based): chr10:94,079,660, T>C. VCF-style: chr10-94079660-T-C. GRCh37 (hg19) VCF-style: chr10-95839417-T-C.
Other names: c.1206+47408T>C (NM_001288989.2).
Identifiers: ClinVar variation 3338140 (VCV003338140.1).